The following is an entry in ClinVar:

ClinVar aggregate classification (germline): Pathogenic (1 of 4 stars; one submission).

Submission:

Labcorp Genetics (formerly Invitae), Labcorp
Classification: Pathogenic. Last evaluated: 2023-10-06. Review status: criteria provided, single submitter. Criteria: Invitae Variant Classification Sherloc (09022015). Collection method: clinical testing. Allele origin: unknown.
Comment: This variant is a gross deletion of the genomic region encompassing exon(s) 4-11 of the GNPTG gene, which includes the termination codon. This deletion extends beyond the assayed region for this gene and therefore may encompass additional genes. While this deletion is not anticipated to lead to nonsense mediated decay, it is expected to alter mRNA translation or result in a truncated protein product. This variant has not been reported in the literature in individuals affected with GNPTG-related conditions. This variant disrupts a region of the GNPTG protein in which other variant(s) (p.Gly106Ser) have been determined to be pathogenic (PMID: 15060128, 19370764, 27038293). This suggests that this is a clinically significant region of the protein, and that variants that disrupt it are likely to be disease-causing. For these reasons, this variant has been classified as Pathogenic.

Literature cited by the submitters: PubMed 15060128; PubMed 19370764; PubMed 27038293.

NC_000016.9:g.(?_1411724)_(1413092_?)del

Gene: GNPTG (N-acetylglucosamine-1-phosphate transferase subunit gamma; plus strand). Cytogenetic location: 16p13.3.
Variant type: Deletion.
Identifiers: ClinVar variation 3243665 (VCV003243665.1).